The following is an entry in ClinVar:

ClinVar aggregate classification (germline): Uncertain significance. Review status: criteria provided, multiple submitters, no conflicts (2 of 4 stars). 3 submissions from 3 submitters: Uncertain significance (3). Last evaluated 2026-02-02.

Conditions:
Norman-Roberts syndrome (LIS2). Also called: Lissencephaly 2 (Norman-Roberts type). Identifiers: Orphanet 89844, MedGen C0796089, MONDO:0009760, OMIM 257320.
Familial temporal lobe epilepsy 7. Identifiers: Orphanet 101046, MedGen C4225327, MONDO:0014639, OMIM 616436.

Allele frequency attached by ClinVar (database versions not stated): gnomAD 0.00001; TOPMed 0.00002.
gnomAD v4.1: 89 of 1,614,074 alleles (0.0055%); highest among the groups gnomAD compares: Non-Finnish European, 0.0075%; no homozygotes.

Submissions (3):

Labcorp Genetics (formerly Invitae), Labcorp
Classification: Uncertain significance for Familial temporal lobe epilepsy 7; Norman-Roberts syndrome. Last evaluated: 2026-02-02. Review status: criteria provided, single submitter. Criteria: Invitae Variant Classification Sherloc (09022015). Collection method: clinical testing. Allele origin: germline.
Comment: This sequence change replaces histidine, which is basic and polar, with glutamine, which is neutral and polar, at codon 3377 of the RELN protein (p.His3377Gln). This variant is present in population databases (rs767876947, gnomAD 0.002%). This variant has not been reported in the literature in individuals affected with RELN-related conditions. ClinVar contains an entry for this variant (Variation ID: 952598). Invitae Evidence Modeling of protein sequence and biophysical properties (such as structural, functional, and spatial information, amino acid conservation, physicochemical variation, residue mobility, and thermodynamic stability) indicates that this missense variant is not expected to disrupt RELN protein function with a negative predictive value of 80%. In summary, the available evidence is currently insufficient to determine the role of this variant in disease. Therefore, it has been classified as a Variant of Uncertain Significance.

GeneDx
Classification: Uncertain significance. Last evaluated: 2025-07-06. Review status: criteria provided, single submitter. Criteria: GeneDx Variant Classification Process June 2021. Collection method: clinical testing. Allele origin: germline. Affected: yes.
Comment: Not observed at significant frequency in large population cohorts (gnomAD); In silico analysis supports that this missense variant has a deleterious effect on protein structure/function; This variant is associated with the following publications: (PMID: 36008144)

Revvity Omics, Revvity
Classification: Uncertain significance for Norman-Roberts syndrome. Last evaluated: 2021-12-08. Review status: criteria provided, single submitter. Criteria: ACMG Guidelines, 2015. Collection method: clinical testing. Allele origin: germline.

NM_005045.4(RELN):c.10131C>G (p.His3377Gln)

Genes: RELN (reelin; minus strand), SLC26A5-AS1 (SLC26A5 antisense RNA 1; plus strand). Cytogenetic location: 7q22.1.
Variant type: single nucleotide variant.
Coding change: c.10131C>G on transcript NM_005045.4 (MANE Select); coding-DNA position 10131, C replaced by G.
Protein change: p.His3377Gln; replaces histidine 3377 with glutamine.
Molecular consequence: missense variant.
Genome position (GRCh38, 1-based): chr7:103,483,703, G>C on the plus strand (C>G on the coding strand, the complement: RELN is on the minus strand). VCF-style: chr7-103483703-G-C. GRCh37 (hg19) VCF-style: chr7-103124150-G-C.
Other names: c.10131C>G, p.His3377Gln (NM_173054.3); short protein forms H3377Q.
Identifiers: ClinVar variation 952598 (VCV000952598.11), dbSNP rs767876947, ClinGen allele CA163899021.